The following is an entry in ClinVar:

ClinVar aggregate classification (germline): Uncertain significance (1 of 4 stars; one submission).

Conditions:
Hereditary nonpolyposis colorectal neoplasms. Identifiers: MedGen C0009405, MeSH D003123.

Submission:

Labcorp Genetics (formerly Invitae), Labcorp
Classification: Uncertain significance for Hereditary nonpolyposis colorectal neoplasms. Last evaluated: 2020-11-24. Review status: criteria provided, single submitter. Criteria: Invitae Variant Classification Sherloc (09022015). Collection method: clinical testing. Allele origin: germline.
Comment: In summary, the available evidence is currently insufficient to determine the role of this variant in disease. Therefore, it has been classified as a Variant of Uncertain Significance. Advanced modeling of protein sequence and biophysical properties (such as structural, functional, and spatial information, amino acid conservation, physicochemical variation, residue mobility, and thermodynamic stability) performed at Invitae indicates that this missense variant is expected to disrupt MSH6 protein function. This variant has not been reported in the literature in individuals with MSH6-related conditions. This variant is not present in population databases (ExAC no frequency). This sequence change replaces tryptophan with cysteine at codon 912 of the MSH6 protein (p.Trp912Cys). The tryptophan residue is moderately conserved and there is a large physicochemical difference between tryptophan and cysteine.

NM_000179.3(MSH6):c.2736G>T (p.Trp912Cys)

Gene: MSH6 (mutS homolog 6; plus strand). Cytogenetic location: 2p16.3.
Variant type: single nucleotide variant.
Coding change: c.2736G>T on transcript NM_000179.3 (MANE Select); coding-DNA position 2736, G replaced by T.
Protein change: p.Trp912Cys; replaces tryptophan 912 with cysteine.
Molecular consequence: missense variant.
Genome position (GRCh38, 1-based): chr2:47,800,719, G>T. VCF-style: chr2-47800719-G-T. GRCh37 (hg19) VCF-style: chr2-48027858-G-T.
Other names: c.2346G>T, p.Trp782Cys (NM_001281492.2); c.1830G>T, p.Trp610Cys (NM_001281493.2, NM_001281494.2); short protein forms W610C, W782C, W912C.
Identifiers: ClinVar variation 1350852 (VCV001350852.8), dbSNP rs1572728472, ClinGen allele CA346755385.